The following is an entry in ClinVar:

ClinVar aggregate classification (germline): Uncertain significance (1 of 4 stars; one submission).

Conditions:
Ehlers-Danlos syndrome, type 4 (EDSVASC). Also called: Ehlers-Danlos syndrome vascular type; Ehlers Danlos syndrome, ecchymotic type; Ehlers Danlos syndrome, arterial type; Ehlers Danlos syndrome, Sack-Barabas type; Ehlers-Danlos Syndrome Type IV. Identifiers: Orphanet 286, MedGen C0268338, MONDO:0017314, OMIM 130050.

Submission:

Labcorp Genetics (formerly Invitae), Labcorp
Classification: Uncertain significance for Ehlers-Danlos syndrome, type 4. Last evaluated: 2024-02-04. Review status: criteria provided, single submitter. Criteria: Invitae Variant Classification Sherloc (09022015). Collection method: clinical testing. Allele origin: germline.
Comment: This sequence change falls in intron 20 of the COL3A1 gene. It does not directly change the encoded amino acid sequence of the COL3A1 protein. It affects a nucleotide within the consensus splice site. This variant is not present in population databases (gnomAD no frequency). This variant has not been reported in the literature in individuals affected with COL3A1-related conditions. Variants that disrupt the consensus splice site are a relatively common cause of aberrant splicing (PMID: 17576681, 9536098). Algorithms developed to predict the effect of sequence changes on RNA splicing suggest that this variant may disrupt the consensus splice site. In summary, the available evidence is currently insufficient to determine the role of this variant in disease. Therefore, it has been classified as a Variant of Uncertain Significance.

Literature cited by the submitters: PubMed 17576681; PubMed 9536098.

NM_000090.4(COL3A1):c.1455+4del

Gene: COL3A1 (collagen type III alpha 1 chain; plus strand). Cytogenetic location: 2q32.2.
Variant type: Deletion.
Coding change: c.1455+4del on transcript NM_000090.4 (MANE Select); 4 bases into the intron after coding-DNA position 1455, one base deleted (C; older notation c.1455+4delC).
Molecular consequence: intron variant.
Genome position (GRCh38, 1-based): chr2:188,994,835, C deleted. VCF-style (leftmost placement, unchanged base first): chr2-188994834-AC-A. GRCh37 (hg19) VCF-style: chr2-189859560-AC-A.
Identifiers: ClinVar variation 3638759 (VCV003638759.2).